The following is an entry in ClinVar:

ClinVar aggregate classification (germline): Uncertain significance (1 of 4 stars; one submission).

gnomAD v4.1: 2 of 1,611,526 alleles (0.00012%); highest among the groups gnomAD compares: Non-Finnish European, 0.00017%; no homozygotes.

Submission:

Ambry Genetics
Classification: Uncertain significance. Last evaluated: 2024-12-07. Review status: criteria provided, single submitter. Criteria: Ambry Variant Classification Scheme 2023. Collection method: clinical testing. Allele origin: germline.
Comment: The p.V1677I variant (also known as c.5029G>A), located in coding exon 44 of the KIF1B gene, results from a G to A substitution at nucleotide position 5029. The valine at codon 1677 is replaced by isoleucine, an amino acid with highly similar properties. This amino acid position is conserved. In addition, this alteration is predicted to be tolerated by in silico analysis. Based on the available evidence, the clinical significance of this variant remains unclear.

NM_001365951.3(KIF1B):c.5167G>A (p.Val1723Ile)

Gene: KIF1B (kinesin family member 1B; plus strand). Cytogenetic location: 1p36.22.
Variant type: single nucleotide variant.
Coding change: c.5167G>A on transcript NM_001365951.3 (MANE Select); coding-DNA position 5167, G replaced by A.
Protein change: p.Val1723Ile; replaces valine 1723 with isoleucine.
Molecular consequence: missense variant.
Genome position (GRCh38, 1-based): chr1:10,374,924, G>A. VCF-style: chr1-10374924-G-A. GRCh37 (hg19) VCF-style: chr1-10434982-G-A.
Other names: c.5167G>A, p.Val1723Ile (NM_001365952.1); c.5029G>A, p.Val1677Ile (NM_015074.3); short protein forms V1677I, V1723I.
Identifiers: ClinVar variation 3534100 (VCV003534100.1).